The following is an entry in ClinVar:

NM_022132.5(MCCC2):c.838G>T (p.Asp280Tyr)

Gene: MCCC2 (methylcrotonyl-CoA carboxylase subunit 2; plus strand). Cytogenetic location: 5q13.2.
Variant type: single nucleotide variant.
Coding change: c.838G>T on transcript NM_022132.5 (MANE Select); coding-DNA position 838, G replaced by T.
Protein change: p.Asp280Tyr; replaces aspartic acid 280 with tyrosine.
Molecular consequence: missense variant.
Genome position (GRCh38, 1-based): chr5:71,634,977, G>T. VCF-style: chr5-71634977-G-T. GRCh37 (hg19) VCF-style: chr5-70930804-G-T.
Other names: c.724G>T, p.Asp242Tyr (NM_001363147.1); short protein forms D280Y, D242Y.
Identifiers: ClinVar variation 1927 (VCV000001927.19), dbSNP rs119103226, ClinGen allele CA251973.

ClinVar aggregate classification (germline): Pathogenic/Likely pathogenic. Review status: criteria provided, multiple submitters, no conflicts (2 of 4 stars). 6 submissions from 6 submitters: Pathogenic (1); Likely pathogenic (4). 1 of the submissions does not count toward it. Last evaluated 2025-12-17.

Conditions:
3-methylcrotonyl-CoA carboxylase 2 deficiency. Also called: 3 alpha methylcrotonyl-CoA carboxylase 2 deficiency; 3 alpha methylcrotonylglycinuria 2; MCC 2 deficiency; Methylcrotonylglycinuria type 2; METHYLCROTONYLGLYCINURIA, TYPE II. Identifiers: Orphanet 6, MedGen C1859499, MONDO:0008862, OMIM 210210.

Allele frequency attached by ClinVar (database versions not stated): gnomAD exomes 0.00006; 1000 Genomes Project 0.00020; ExAC 0.00004; 1000 Genomes Project 30x 0.00016; TOPMed below 0.00001; gnomAD 0.00001.
gnomAD v4.1: 28 of 1,614,120 alleles (0.0017%); highest among the groups gnomAD compares: East Asian, 0.062%; no homozygotes.

Submissions (6):

3billion
Classification: Likely pathogenic for 3-methylcrotonyl-CoA carboxylase 2 deficiency. Last evaluated: 2025-12-17. Review status: criteria provided, single submitter. Criteria: ACMG Guidelines, 2015. Collection method: clinical testing. Allele origin: germline. Affected: yes.
Comment: The variant is observed at an extremely low frequency in the gnomAD v4.1.0 dataset (total allele frequency: 0.002%). Predicted Consequence/Location: Missense variant In silico tool predictions suggest damaging effect of the variant on gene or gene product [REVEL: 0.98 (>=0.6, sensitivity 0.68 and specificity 0.92); 3Cnet: 0.83 (> 0.75, sensitivity 0.96 and precision 0.92)]. The same nucleotide change resulting in the same amino acid change has been previously reported as pathogenic/likely pathogenic with strong evidence (ClinVar ID: VCV000001927 /PMID: 17968484 /3billion dataset). Therefore, this variant is classified as Likely pathogenic according to the recommendation of ACMG/AMP guideline.

Natera, Inc.
Classification: Likely pathogenic for 3-methylcrotonyl-CoA carboxylase 2 deficiency. Last evaluated: 2025-02-04. Review status: criteria provided, single submitter. Criteria: Natera Variant Classification Schema (03/2026). Collection method: clinical testing. Allele origin: germline.
Comment: The c.838G>T variant in MCCC2 is a missense variant predicted to cause substitution of aspartic acid to tyrosine at amino acid 280. This variant is rare in the general population with a frequency below the threshold expected for the associated phenotype(s). This variant has been observed in one or more individuals affected with the associated recessive disease, as either homozygous or compound heterozygous with a second variant (PMID: 36544340, 22150417). Additionally, this variant has been observed to segregate in affected family members (PMID: 22150417). Computational prediction algorithms indicate this variant is likely to affect gene or protein function. Given the available evidence, this variant is classified as Likely Pathogenic.

Fulgent Genetics
Classification: Likely pathogenic for 3-methylcrotonyl-CoA carboxylase 2 deficiency. Last evaluated: 2024-04-09. Review status: criteria provided, single submitter. Criteria: ACMG Guidelines, 2015. Collection method: clinical testing. Allele origin: germline.

Labcorp Genetics (formerly Invitae), Labcorp
Classification: Pathogenic for 3-methylcrotonyl-CoA carboxylase 2 deficiency. Last evaluated: 2024-01-06. Review status: criteria provided, single submitter. Criteria: Invitae Variant Classification Sherloc (09022015). Collection method: clinical testing. Allele origin: germline.
Comment: This sequence change replaces aspartic acid, which is acidic and polar, with tyrosine, which is neutral and polar, at codon 280 of the MCCC2 protein (p.Asp280Tyr). This variant is present in population databases (rs119103226, gnomAD 0.09%). This missense change has been observed in individuals with 3 methylcrotonyl-CoA carboxylase deficiency (PMID: 17968484, 22030835, 22150417, 28018443). ClinVar contains an entry for this variant (Variation ID: 1927). Advanced modeling of protein sequence and biophysical properties (such as structural, functional, and spatial information, amino acid conservation, physicochemical variation, residue mobility, and thermodynamic stability) performed at Invitae indicates that this missense variant is expected to disrupt MCCC2 protein function with a positive predictive value of 80%. For these reasons, this variant has been classified as Pathogenic.

Genetics and Prenatal Diagnosis Center, The First Affiliated Hospital of Zhengzhou University
Classification: Likely pathogenic for 3-methylcrotonyl-CoA carboxylase 2 deficiency. Last evaluated: 2021-05-13. Review status: criteria provided, single submitter. Criteria: ACMG Guidelines, 2015. Collection method: clinical testing. Allele origin: germline. Affected: yes.

OMIM
Classification: Pathogenic for 3-METHYLCROTONYL-CoA CARBOXYLASE 2 DEFICIENCY. Last evaluated: 2007-01-01. Review status: no assertion criteria provided. Collection method: literature only. Allele origin: germline. Not counted in ClinVar's aggregate classification.

Literature cited by the submitters: PubMed 17968484 (cited by 4 submitters); PubMed 36544340 (cited by Natera, Inc.); PubMed 22150417 (cited by Natera, Inc. and Labcorp Genetics (formerly Invitae), Labcorp); PubMed 22030835 (cited by Labcorp Genetics (formerly Invitae), Labcorp); PubMed 28018443 (cited by Labcorp Genetics (formerly Invitae), Labcorp).